The following is an entry in ClinVar:

ClinVar aggregate classification (germline): Conflicting classifications of pathogenicity. Review status: criteria provided, conflicting classifications (1 of 4 stars). 6 submissions from 6 submitters: Uncertain significance (1); Likely benign (5). Last evaluated 2026-09-01.

Conditions:
Cardiovascular phenotype. Identifiers: MedGen CN230736.
Dilated cardiomyopathy 1G (CMD1G). Identifiers: Orphanet 154, MedGen C1858763, MONDO:0011400, OMIM 604145.
Autosomal recessive limb-girdle muscular dystrophy type 2J (LGMDR10). Also called: Limb-girdle muscular dystrophy, type 2J; MUSCULAR DYSTROPHY, LIMB-GIRDLE, AUTOSOMAL RECESSIVE 10. Identifiers: Orphanet 140922, MedGen C1837342, MONDO:0012127, OMIM 608807.
TTN-related disorder. Also called: TTN-related condition; TTN-related disease; TTN-related disorders.

Allele frequency attached by ClinVar (database versions not stated): gnomAD 0.00003 and 0.00004; TOPMed 0.00005; ExAC 0.00007; ESP Exome Variant Server 0.00017.
gnomAD v4.1: 27 of 1,613,076 alleles (0.0017%); highest among the groups gnomAD compares: Admixed American, 0.015%; no homozygotes.

Submissions (6):

CeGaT Center for Human Genetics Tuebingen
Classification: Likely benign. Last evaluated: 2026-09-01. Review status: criteria provided, single submitter. Criteria: CeGaT Center For Human Genetics Tuebingen Variant Classification Criteria Version 2. Collection method: clinical testing. Allele origin: germline. Affected: yes. Observed: 2 variant alleles.
Comment: TTN: BP4, BP7

Labcorp Genetics (formerly Invitae), Labcorp
Classification: Likely benign for Dilated cardiomyopathy 1G; Autosomal recessive limb-girdle muscular dystrophy type 2J. Last evaluated: 2026-01-01. Review status: criteria provided, single submitter. Criteria: Invitae Variant Classification Sherloc (09022015). Collection method: clinical testing. Allele origin: germline.

PreventionGenetics, part of Exact Sciences
Classification: Likely benign for TTN-related condition. Last evaluated: 2025-08-11. Review status: criteria provided, single submitter. Criteria: ACMG Guidelines, 2015. Collection method: clinical testing. Allele origin: germline.
Comment: This variant is classified as likely benign based on ACMG/AMP sequence variant interpretation guidelines (Richards et al. 2015 PMID: 25741868, with internal and published modifications).

Blueprint Genetics
Classification: Likely benign. Last evaluated: 2024-02-26. Review status: criteria provided, single submitter. Criteria: ACMG Guidelines, 2015. Collection method: clinical testing. Allele origin: germline.

Ambry Genetics
Classification: Likely benign for Cardiovascular phenotype. Last evaluated: 2021-01-01. Review status: criteria provided, single submitter. Criteria: Ambry Variant Classification Scheme 2023. Collection method: clinical testing. Allele origin: germline.

Eurofins Ntd Llc (ga)
Classification: Uncertain significance. Last evaluated: 2018-03-23. Review status: criteria provided, single submitter. Criteria: EGL ClinVar v180209 classification definitions. Collection method: clinical testing. Allele origin: germline. Observed: 1 variant allele, 1 heterozygote.

NM_001267550.2(TTN):c.42873G>A (p.Ala14291=)

Gene: TTN (titin; minus strand). Cytogenetic location: 2q31.2.
Variant type: single nucleotide variant.
Coding change: c.42873G>A on transcript NM_001267550.2 (MANE Select); coding-DNA position 42873, G replaced by A.
Protein change: p.Ala14291=; no amino-acid change (alanine 14291 retained).
Molecular consequence: synonymous variant.
Genome position (GRCh38, 1-based): chr2:178,633,486, C>T on the plus strand (G>A on the coding strand, the complement: TTN is on the minus strand). VCF-style: chr2-178633486-C-T. GRCh37 (hg19) VCF-style: chr2-179498213-C-T.
Other names: c.37950G>A, p.Ala12650= (NM_001256850.1); c.15678G>A, p.Ala5226= (NM_003319.4); c.35169G>A, p.Ala11723= (NM_133378.4); c.16053G>A, p.Ala5351= (NM_133432.3); c.16254G>A, p.Ala5418= (NM_133437.4).
Identifiers: ClinVar variation 596544 (VCV000596544.17), dbSNP rs370216450, ClinGen allele CA1996000.